The following is an entry in ClinVar:

NM_001004334.4(GPR179):c.6221T>C (p.Val2074Ala)

Gene: GPR179 (G protein-coupled receptor 179; minus strand). Cytogenetic location: 17q12.
Variant type: single nucleotide variant.
Coding change: c.6221T>C on transcript NM_001004334.4 (MANE Select); coding-DNA position 6221, T replaced by C.
Protein change: p.Val2074Ala; replaces valine 2074 with alanine.
Molecular consequence: missense variant.
Genome position (GRCh38, 1-based): chr17:38,327,348, A>G on the plus strand (T>C on the coding strand, the complement: GPR179 is on the minus strand). VCF-style: chr17-38327348-A-G. GRCh37 (hg19) VCF-style: chr17-36483231-A-G.
Other names: short protein forms V2074A.
Identifiers: ClinVar variation 1352589 (VCV001352589.8), dbSNP rs2144254930, ClinGen allele CA398869910.

ClinVar aggregate classification (germline): Uncertain significance (1 of 4 stars; one submission).

Submission:

Labcorp Genetics (formerly Invitae), Labcorp
Classification: Uncertain significance. Last evaluated: 2020-12-01. Review status: criteria provided, single submitter. Criteria: Invitae Variant Classification Sherloc (09022015). Collection method: clinical testing. Allele origin: germline.
Comment: In summary, the available evidence is currently insufficient to determine the role of this variant in disease. Therefore, it has been classified as a Variant of Uncertain Significance. Algorithms developed to predict the effect of missense changes on protein structure and function are either unavailable or do not agree on the potential impact of this missense change (SIFT: "Deleterious"; PolyPhen-2: "Benign"; Align-GVGD: "Class C0"). This variant has not been reported in the literature in individuals with GPR179-related conditions. This variant is not present in population databases (ExAC no frequency). This sequence change replaces valine with alanine at codon 2074 of the GPR179 protein (p.Val2074Ala). The valine residue is weakly conserved and there is a small physicochemical difference between valine and alanine.